The following is an entry in ClinVar:

ClinVar aggregate classification (somatic clinical impact): Tier I - Strong (1 of 4 stars; one submission).

Conditions:
Neuroblastoma (NB). Identifiers: Orphanet 635, MedGen C0027819, MeSH D009447, MONDO:0005072, HP:0003006.

Submission:

Institute for Genomic Medicine (IGM) Clinical Laboratory, Nationwide Children's Hospital
Classification: Tier I - Strong for Neuroblastoma. Assertion type: diagnostic. Clinical significance: supports diagnosis. Last evaluated: 2024-08-23. Review status: criteria provided, single submitter. Criteria: AMP/ASCO/CAP Guidelines, 2017. Collection method: clinical testing. Allele origin: somatic. Affected: yes.
Comment: Variant has Tier I (strong) clinical significance as a diagnostic inclusion criterion in neuroblastoma, based on the following evidence: 1) Documented in one or more cancer databases (e.g., St. Jude Pecan, COSMIC, CIViC, OncoKB). 2) Appears in one or more well-established professional guidelines (e.g., World Health Organization [WHO]; National Comprehensive Cancer Network [NCCN]) as providing diagnostic, prognostic, or therapeutic information. 3) Diagnostic for a specific tumor type/classification based on well-powered studies with expert-level consensus (Evidence Level B; PMIDs: 21632861, 23334666, 18923523, 18923524, 25517749, 34250410).

Literature cited by the submitters: PubMed 21632861; PubMed 23334666; PubMed 18923523; PubMed 18923524; PubMed 25517749; PubMed 34250410.

NM_004304.5(ALK):c.3824G>T (p.Arg1275Leu)

Gene: ALK (ALK receptor tyrosine kinase; minus strand). Cytogenetic location: 2p23.2.
Variant type: single nucleotide variant.
Coding change: c.3824G>T on transcript NM_004304.5 (MANE Select); coding-DNA position 3824, G replaced by T.
Protein change: p.Arg1275Leu; replaces arginine 1275 with leucine.
Molecular consequence: missense variant.
Genome position (GRCh38, 1-based): chr2:29,209,798, C>A on the plus strand (G>T on the coding strand, the complement: ALK is on the minus strand). VCF-style: chr2-29209798-C-A. GRCh37 (hg19) VCF-style: chr2-29432664-C-A.
Other names: c.620G>T, p.Arg207Leu (NM_001353765.2); short protein forms R1275L, R207L.
Identifiers: ClinVar variation 4530184 (VCV004530184.1), dbSNP rs113994087.